The following is an entry in ClinVar:

ClinVar aggregate classification (germline): Uncertain significance (1 of 4 stars; one submission).

gnomAD v4.1: 4 of 1,614,136 alleles (0.00025%); highest among the groups gnomAD compares: Non-Finnish European, 0.00034%; no homozygotes.

Submission:

GeneDx
Classification: Uncertain significance. Last evaluated: 2024-02-03. Review status: criteria provided, single submitter. Criteria: GeneDx Variant Classification Process June 2021. Collection method: clinical testing. Allele origin: germline. Affected: yes.
Comment: Not observed at significant frequency in large population cohorts (gnomAD); In silico analysis supports that this missense variant has a deleterious effect on protein structure/function; Has not been previously published as pathogenic or benign to our knowledge

NM_004525.3(LRP2):c.11872G>A (p.Asp3958Asn)

Gene: LRP2 (LDL receptor related protein 2; minus strand). Cytogenetic location: 2q31.1.
Variant type: single nucleotide variant.
Coding change: c.11872G>A on transcript NM_004525.3 (MANE Select); coding-DNA position 11872, G replaced by A.
Protein change: p.Asp3958Asn; replaces aspartic acid 3958 with asparagine.
Molecular consequence: missense variant.
Genome position (GRCh38, 1-based): chr2:169,162,487, C>T on the plus strand (G>A on the coding strand, the complement: LRP2 is on the minus strand). VCF-style: chr2-169162487-C-T. GRCh37 (hg19) VCF-style: chr2-170018997-C-T.
Other names: short protein forms D3958N.
Identifiers: ClinVar variation 3368660 (VCV003368660.1).